The following is an entry in ClinVar:

NM_000092.5(COL4A4):c.3142G>T (p.Gly1048Cys)

Gene: COL4A4 (collagen type IV alpha 4 chain; minus strand). Cytogenetic location: 2q36.3.
Variant type: single nucleotide variant.
Coding change: c.3142G>T on transcript NM_000092.5 (MANE Select); coding-DNA position 3142, G replaced by T.
Protein change: p.Gly1048Cys; replaces glycine 1048 with cysteine.
Molecular consequence: missense variant.
Genome position (GRCh38, 1-based): chr2:227,050,985, C>A on the plus strand (G>T on the coding strand, the complement: COL4A4 is on the minus strand). VCF-style: chr2-227050985-C-A. GRCh37 (hg19) VCF-style: chr2-227915701-C-A.
Other names: short protein forms G1048C.
Identifiers: ClinVar variation 3251637 (VCV003251637.2), dbSNP rs2473967144.

ClinVar aggregate classification (germline): Conflicting classifications of pathogenicity. Review status: criteria provided, conflicting classifications (1 of 4 stars). 2 submissions from 2 submitters: Likely pathogenic (1); Uncertain significance (1). Last evaluated 2024-05-06.

Conditions:
Autosomal recessive Alport syndrome (ATS2). Also called: COL4A3-Related Nephropathy; COL4A4 Alport Syndrome and Thin Basement Membrane Nephropathy; ALPORT SYNDROME 2, AUTOSOMAL RECESSIVE; Alport syndrome type 2. Identifiers: Orphanet 63, Orphanet 88919, MedGen C4746745, MONDO:0008762, OMIM 203780.
Hematuria, benign familial, 1 (BFH1). Also called: THIN MEMBRANE NEPHROPATHY. Identifiers: MedGen CN376803, MONDO:0007709, OMIM 141200.

Submissions (2):

Fulgent Genetics
Classification: Likely pathogenic for Hematuria, benign familial, 1; Autosomal recessive Alport syndrome. Last evaluated: 2024-05-06. Review status: criteria provided, single submitter. Criteria: ACMG Guidelines, 2015. Collection method: clinical testing. Allele origin: germline.

Women's Health and Genetics/Laboratory Corporation of America, LabCorp
Classification: Uncertain significance. Last evaluated: 2024-04-30. Review status: criteria provided, single submitter. Criteria: LabCorp Variant Classification Summary - May 2015. Collection method: clinical testing. Allele origin: germline.
Comment: Variant summary: COL4A4 c.3142G>T (p.Gly1048Cys) results in a non-conservative amino acid change in the encoded protein sequence. Five of five in-silico tools predict a damaging effect of the variant on protein function. The variant was absent in 249528 control chromosomes. The available data on variant occurrences in the general population are insufficient to allow any conclusion about variant significance. To our knowledge, no occurrence of c.3142G>T in individuals affected with Alport Syndrome, Autosomal Recessive and no experimental evidence demonstrating its impact on protein function have been reported. No submitters have cited clinical-significance assessments for this variant to ClinVar. Based on the evidence outlined above, the variant was classified as uncertain significance.